The following is an entry in ClinVar:

ClinVar aggregate classification (germline): Conflicting classifications of pathogenicity. Review status: criteria provided, conflicting classifications (1 of 4 stars). 13 submissions from 13 submitters: Uncertain significance (4); Benign (1); Likely benign (6). 2 of the submissions do not count toward it. Last evaluated 2026-10-15.

Conditions:
MRE11-related disorder. Also called: MRE11-related condition.
Ataxia-telangiectasia-like disorder (ATLD). Identifiers: MedGen C1858391, MONDO:0011457.
Hereditary cancer-predisposing syndrome. Also called: Hereditary neoplastic syndrome; Neoplastic Syndromes, Hereditary; Tumor predisposition; Hereditary Cancer Syndrome. Identifiers: Orphanet 140162, MedGen C0027672, MeSH D009386, MONDO:0015356.
Ataxia-telangiectasia-like disorder 1 (ATLD1). Identifiers: Orphanet 251347, MedGen C4012790, MONDO:0024557, OMIM 604391.
Dystonic disorder. Also called: Dystonia. Identifiers: MedGen C0013421, MONDO:0003441, HP:0001332.
Parkinsonian disorder. Also called: Parkinsonism. Identifiers: MedGen C0242422, MONDO:0021095, HP:0001300.
Dementia. Identifiers: MedGen C0497327, MONDO:0001627, HP:0000726.
Depression. Also called: Depressivity; Depressive disorder; Mental depression. Identifiers: MedGen C0011581, MeSH D003866, MONDO:0002050, HP:0000716.

Allele frequency attached by ClinVar (database versions not stated): 1000 Genomes Project 30x 0.00016; 1000 Genomes Project 0.00020; gnomAD 0.00036 and 0.00038; ESP Exome Variant Server 0.00038; TOPMed 0.00056; ExAC 0.00043; gnomAD exomes 0.00022 and 0.00037.
gnomAD v4.1: 393 of 1,614,040 alleles (0.024%); highest among the groups gnomAD compares: Middle Eastern, 0.18%; no homozygotes.

Submissions (14):

GeneDx
Classification: Uncertain significance. Last evaluated: 2026-10-15. Review status: criteria provided, single submitter. Criteria: GeneDx Variant Classification Process June 2021. Collection method: clinical testing. Allele origin: germline.
Comment: Observed in individuals undergoing hereditary cancer testing mostly for a personal or family history of breast/ovarian cancer (PMID: 26898890, 27878467, 31159747, 35534704); Published functional studies suggest that this variant impairs C1QBP binding (PMID: 31353207); In silico analysis suggests that this missense variant does not alter protein structure/function; This variant is associated with the following publications: (PMID: 27363283, 31159747, 22829774, 26898890, 27878467, 31353207, 35534704, 26878173, 33471991)

Labcorp Genetics (formerly Invitae), Labcorp
Classification: Likely benign for Ataxia-telangiectasia-like disorder. Last evaluated: 2025-11-30. Review status: criteria provided, single submitter. Criteria: Invitae Variant Classification Sherloc (09022015). Collection method: clinical testing. Allele origin: germline.

Athena Diagnostics
Classification: Likely benign. Last evaluated: 2024-12-23. Review status: criteria provided, single submitter. Criteria: Athena Diagnostics Criteria. Collection method: clinical testing. Allele origin: unknown.
Comment: The frequency of this variant in the general population is higher than would generally be expected for pathogenic variants in this gene. Computational tools predict this amino acid change may be benign.

Blueprint Genetics
Classification: Likely benign. Last evaluated: 2024-11-22. Review status: criteria provided, single submitter. Criteria: ACMG Guidelines, 2015. Collection method: clinical testing. Allele origin: germline.

Women's Health and Genetics/Laboratory Corporation of America, LabCorp
Classification: Benign. Last evaluated: 2022-09-19. Review status: criteria provided, single submitter. Criteria: LabCorp Variant Classification Summary - May 2015. Collection method: clinical testing. Allele origin: germline.
Comment: Variant summary: MRE11 c.1727G>A (p.Arg576Gln) results in a conservative amino acid change in the encoded protein sequence. Five of five in-silico tools predict a benign effect of the variant on protein function. The variant allele was found at a frequency of 0.00037 in 251374 control chromosomes, predominantly at a frequency of 0.00064 within the Latino subpopulation in the gnomAD database. The observed variant frequency within Latino control individuals in the gnomAD database is approximately 10 fold of the estimated maximal expected allele frequency for a pathogenic variant in MRE11 causing Hereditary Breast And Ovarian Cancer Syndrome phenotype (6.3e-05), strongly suggesting that the variant is a benign polymorphism found primarily in populations of Latino origin. c.1727G>A has been reported in the literature in individuals affected with Hereditary Breast And Ovarian Cancer Syndrome.A recent case-control study showed that this variant is not associated with breast cancer (Dorling_2021). Co-occurrence with a pathogenic variant has been reported (BRCA1 c.5359_5363delinsAGTGA, p.Cys1787_Gly1788delinsSerAsp), providing supporting evidence for a benign role. Seven clinical diagnostic laboratories have submitted clinical-significance assessments for this variant to ClinVar after 2014 without evidence for independent evaluation (likely benign n=4, VUS n=3). Based on the evidence outlined above, the variant was classified as benign.

Quest Diagnostics Nichols Institute San Juan Capistrano
Classification: Likely benign. Last evaluated: 2022-04-13. Review status: criteria provided, single submitter. Criteria: Quest Diagnostics criteria. Collection method: clinical testing. Allele origin: unknown.

Sema4
Classification: Likely benign for Hereditary cancer-predisposing syndrome. Last evaluated: 2020-10-27. Review status: criteria provided, single submitter. Criteria: Sema4 Curation Guidelines. Collection method: curation. Allele origin: germline.

Revvity Omics, Revvity
Classification: Uncertain significance for Ataxia-telangiectasia-like disorder 1. Last evaluated: 2019-12-07. Review status: criteria provided, single submitter. Criteria: ACMG Guidelines, 2015. Collection method: clinical testing. Allele origin: germline.

Ambry Genetics
Classification: Likely benign for Hereditary cancer-predisposing syndrome. Last evaluated: 2018-11-06. Review status: criteria provided, single submitter. Criteria: Ambry Variant Classification Scheme 2023. Collection method: clinical testing. Allele origin: germline.

GeneKor MSA
Classification: Uncertain significance for Hereditary cancer-predisposing syndrome. Last evaluated: 2018-08-01. Review status: criteria provided, single submitter. Criteria: ACMG Guidelines, 2015. Collection method: clinical testing. Allele origin: germline. Affected: yes.

Centre for Mendelian Genomics, University Medical Centre Ljubljana
Classification: Uncertain significance for Dementia; Depression; Dystonic disorder; Parkinsonian disorder. Last evaluated: 2017-01-01. Review status: criteria provided, single submitter. Criteria: ACMG Guidelines, 2015. Collection method: clinical testing. Allele origin: unknown. Affected: yes.

PreventionGenetics, part of Exact Sciences
Classification: Uncertain significance for MRE11-related condition. Last evaluated: 2024-01-25. Review status: no assertion criteria provided. Collection method: clinical testing. Allele origin: germline. Not counted in ClinVar's aggregate classification.
Comment: The MRE11 c.1727G>A variant is predicted to result in the amino acid substitution p.Arg576Gln. This variant has been reported in multigene testing of BRCA1 and BRCA2 negative patients, although no further evidence was provided to determine its pathogenicity (Yadav et al. 2017. PubMed ID: 27878467). This variant has also been reported in individuals with breast cancer (Table S5 - Tsaousis et al. 2019. PubMed ID: 31159747; Table S15 - Caminsky et al. 2016. PubMed ID: 26898890). In ClinVar, it is reported as benign, likely benign, and uncertain significance. This variant is reported in 0.22% of alleles in individuals of Ashkenazi Jewish descent in gnomAD, which is higher than expected for a fully penetrant ataxia-telangiectasia-like disorder 1 pathogenic variant. Although we suspect this variant is benign, at this time, the clinical significance of this variant is uncertain due to the absence of conclusive functional and genetic evidence.

Department of Pathology and Laboratory Medicine, Sinai Health System
Classification: Uncertain significance. Review status: no assertion criteria provided. Collection method: clinical testing. Allele origin: unknown. Affected: yes. Study: The Canadian Open Genetics Repository (COGR). Not counted in ClinVar's aggregate classification.
Comment: The MRE11 p.Arg576Gln variant was not identified in the literature nor was it identified in Cosmic or LOVD 3.0. The variant was identified in dbSNP (ID: rs139461096) and ClinVar (reported likely benign and uncertain significance (5)). The c.1727G>A variant was identified in control databases in 96 of 282768 chromosomes at a frequency of 0.00034 (Genome Aggregation Database Feb 27, 2017). The variant was observed in the following populations: Ashkenazi Jewish in 23 of 10368 chromosomes (freq: 0.002218), Other in 7 of 7222 chromosomes (freq: 0.000969), Latino in 23 of 35436 chromosomes (freq: 0.000649), European (non-Finnish) in 35 of 129138 chromosomes (freq: 0.000271), South Asian in 6 of 30614 chromosomes (freq: 0.000196) and African in 2 of 24968 chromosomes (freq: 0.00008); it was not observed in the East Asian or European (Finnish) populations. The p.Arg576 residue is not conserved in mammals and five of five computational analyses (PolyPhen-2, SIFT, AlignGVGD, BLOSUM, and MutationTaster) do not suggest a high likelihood of impact to the protein; however, this information is not predictive enough to rule out pathogenicity. In summary, based on the above information the clinical significance of this variant cannot be determined with certainty at this time. This variant is classified as a variant of uncertain significance.

Dr. Peter K. Rogan Lab, Western University
No classification provided (evidence only). Condition: Hepatocellular carcinoma. Review status: no classification provided. Collection method: in vitro. Allele origin: not applicable. Functional consequence: retained intron. Not counted in ClinVar's aggregate classification.

Literature cited by the submitters: PubMed 26878173 (cited by Athena Diagnostics and Quest Diagnostics Nichols Institute San Juan Capistrano); PubMed 26898890 (cited by Athena Diagnostics and Women's Health and Genetics/Laboratory Corporation of America, LabCorp); PubMed 33471991 (cited by Athena Diagnostics and Quest Diagnostics Nichols Institute San Juan Capistrano); PubMed 27878467 (cited by 3 submitters); PubMed 31159747 (cited by Athena Diagnostics and Quest Diagnostics Nichols Institute San Juan Capistrano); PubMed 31353207 (cited by Athena Diagnostics and Quest Diagnostics Nichols Institute San Juan Capistrano); PubMed 35534704 (cited by Athena Diagnostics).

NM_005591.4(MRE11):c.1727G>A (p.Arg576Gln)

Gene: MRE11 (MRE11 double strand break repair nuclease; minus strand). Cytogenetic location: 11q21.
Variant type: single nucleotide variant.
Coding change: c.1727G>A on transcript NM_005591.4 (MANE Select); coding-DNA position 1727, G replaced by A.
Protein change: p.Arg576Gln; replaces arginine 576 with glutamine.
Molecular consequence: missense variant.
Genome position (GRCh38, 1-based): chr11:94,447,275, C>T on the plus strand (G>A on the coding strand, the complement: MRE11 is on the minus strand). VCF-style: chr11-94447275-C-T. GRCh37 (hg19) VCF-style: chr11-94180441-C-T.
Other names: p.R576Q:CGA>CAA; c.1727G>A, p.Arg576Gln (NM_001330347.2, NM_005590.4); short protein forms R576Q.
Identifiers: ClinVar variation 127974 (VCV000127974.37), dbSNP rs139461096, ClinGen allele CA331833.